The following is an entry in ClinVar:

ClinVar aggregate classification (germline): Conflicting classifications of pathogenicity. Review status: criteria provided, conflicting classifications (1 of 4 stars). 4 submissions from 4 submitters: Uncertain significance (3); Likely benign (1). Last evaluated 2026-01-12.

Conditions:
ABCC6-related disorder. Also called: ABCC6-related condition.
Inborn genetic diseases. Identifiers: MedGen C0950123, MeSH D030342.
Arterial calcification, generalized, of infancy, 2. Identifiers: Orphanet 51608, MedGen C3276161, MONDO:0013768, OMIM 614473.
Autosomal recessive inherited pseudoxanthoma elasticum (PXE). Identifiers: Orphanet 758, MedGen CN032334, MONDO:0009925, OMIM 264800.
Pseudoxanthoma elasticum, forme fruste. Also called: Pseudoxanthoma Elasticum, Incomplete; PSEUDOXANTHOMA ELASTICUM, HETEROZYGOUS. Identifiers: Orphanet 758, MedGen C1867450, MONDO:0008333, OMIM 177850.

Allele frequency attached by ClinVar (database versions not stated): ExAC 0.00004; gnomAD exomes 0.00004 and 0.00005; gnomAD 0.00011; TOPMed 0.00019; 1000 Genomes Project 0.00020; 1000 Genomes Project 30x 0.00031.
gnomAD v4.1: 84 of 1,614,142 alleles (0.0052%); highest among the groups gnomAD compares: Admixed American, 0.035%; no homozygotes.

Submissions (4):

PreventionGenetics, part of Exact Sciences
Classification: Uncertain significance for ABCC6-related condition. Last evaluated: 2026-01-12. Review status: criteria provided, single submitter. Criteria: ACMG Guidelines, 2015. Collection method: clinical testing. Allele origin: germline.
Comment: The ABCC6 c.2140G>A variant is predicted to result in the amino acid substitution p.Gly714Arg. To our knowledge, this variant has not been reported in the literature. This variant is reported in 0.017% of alleles in individuals of Latino descent in gnomAD. At this time, the clinical significance of this variant is uncertain due to the absence of conclusive functional and genetic evidence.

Fulgent Genetics
Classification: Uncertain significance for Pseudoxanthoma elasticum, forme fruste; Autosomal recessive inherited pseudoxanthoma elasticum; Arterial calcification, generalized, of infancy, 2. Last evaluated: 2024-03-30. Review status: criteria provided, single submitter. Criteria: ACMG Guidelines, 2015. Collection method: clinical testing. Allele origin: germline.

Labcorp Genetics (formerly Invitae), Labcorp
Classification: Uncertain significance. Last evaluated: 2024-01-06. Review status: criteria provided, single submitter. Criteria: Invitae Variant Classification Sherloc (09022015). Collection method: clinical testing. Allele origin: germline.
Comment: This sequence change replaces glycine, which is neutral and non-polar, with arginine, which is basic and polar, at codon 714 of the ABCC6 protein (p.Gly714Arg). This variant is present in population databases (rs200513114, gnomAD 0.01%). This variant has not been reported in the literature in individuals affected with ABCC6-related conditions. ClinVar contains an entry for this variant (Variation ID: 1356514). Advanced modeling of protein sequence and biophysical properties (such as structural, functional, and spatial information, amino acid conservation, physicochemical variation, residue mobility, and thermodynamic stability) performed at Invitae indicates that this missense variant is expected to disrupt ABCC6 protein function with a positive predictive value of 95%. In summary, the available evidence is currently insufficient to determine the role of this variant in disease. Therefore, it has been classified as a Variant of Uncertain Significance.

Ambry Genetics
Classification: Likely benign for Inborn genetic diseases. Last evaluated: 2023-10-24. Review status: criteria provided, single submitter. Criteria: Ambry Variant Classification Scheme 2023. Collection method: clinical testing. Allele origin: germline.

NM_001171.6(ABCC6):c.2140G>A (p.Gly714Arg)

Gene: ABCC6 (ATP binding cassette subfamily C member 6; minus strand). Cytogenetic location: 16p13.11.
Variant type: single nucleotide variant.
Coding change: c.2140G>A on transcript NM_001171.6 (MANE Select); coding-DNA position 2140, G replaced by A.
Protein change: p.Gly714Arg; replaces glycine 714 with arginine.
Molecular consequence: missense variant. On other transcripts: non-coding transcript variant (1).
Genome position (GRCh38, 1-based): chr16:16,182,519, C>T on the plus strand (G>A on the coding strand, the complement: ABCC6 is on the minus strand). VCF-style: chr16-16182519-C-T. GRCh37 (hg19) VCF-style: chr16-16276376-C-T.
Other names: c.1798G>A, p.Gly600Arg (NM_001351800.1); c.2140G>A (NM_001171.5); short protein forms G600R, G714R.
Identifiers: ClinVar variation 1356514 (VCV001356514.8), dbSNP rs200513114, ClinGen allele CA7926000.